The following is an entry in ClinVar:

ClinVar aggregate classification (germline): Likely benign. Review status: criteria provided, multiple submitters, no conflicts (2 of 4 stars). 2 submissions from 2 submitters: Likely benign (2). Last evaluated 2023-08-14.

Conditions:
Alpha thalassemia-X-linked intellectual disability syndrome (ATRX). Also called: ALPHA-THALASSEMIA/MENTAL RETARDATION SYNDROME, X-LINKED; ATR, NONDELETION TYPE; ATR-X syndrome; Alpha thalassemia mental retardation syndrome, nondeletion type, X-linked; XLMR hypotonic face syndrome; X-linked alpha-thalassemia-mental retardation syndrome. Identifiers: Orphanet 847, MedGen C1845055, MONDO:0010519, OMIM 301040.

Submissions (2):

Labcorp Genetics (formerly Invitae), Labcorp
Classification: Likely benign for Alpha thalassemia-X-linked intellectual disability syndrome. Last evaluated: 2023-08-14. Review status: criteria provided, single submitter. Criteria: Invitae Variant Classification Sherloc (09022015). Collection method: clinical testing. Allele origin: germline.

CeGaT Center for Human Genetics Tuebingen
Classification: Likely benign. Last evaluated: 2022-08-01. Review status: criteria provided, single submitter. Criteria: CeGaT Center For Human Genetics Tuebingen Variant Classification Criteria Version 2. Collection method: clinical testing. Allele origin: germline. Affected: yes. Observed: 1 variant allele.
Comment: ATRX: BP4

NM_000489.6(ATRX):c.243-8dup

Gene: ATRX (ATRX chromatin remodeler; minus strand). Cytogenetic location: Xq21.1.
Variant type: Duplication.
Coding change: c.243-8dup on transcript NM_000489.6 (MANE Select); 8 bases into the intron before coding-DNA position 243, one base duplicated (T; older notation c.243-8dupT).
Molecular consequence: intron variant.
Genome position (GRCh38, 1-based): chrX:77,696,710, A duplicated on the plus strand (T on the coding strand, the reverse complement: ATRX is on the minus strand); the first of 3 consecutive A bases (chrX:77,696,710-77,696,712); duplicating any one gives the same sequence. VCF-style (leftmost placement, unchanged base first): chrX-77696709-G-GA. GRCh37 (hg19) VCF-style: chrX-76952197-G-GA.
Other names: c.243-8dup (NM_138270.5).
Identifiers: ClinVar variation 1138180 (VCV001138180.36), dbSNP rs1569540561, ClinGen allele CA642700619.
Genomic context (GRCh38, chrX:77,696,709, plus strand): 5'-CATCCAAAGGTTTTTCATCATCTGATTCTACATACTTTGTTACAATTGAAGGTTTCCTAT[G>GA]AAAGAATTAAGTTCATAGAATTATGAATGTTTCTGACAACTGGAACAATACCCAAAGAAC-3'